The following is an entry in ClinVar:

ClinVar aggregate classification (germline): Uncertain significance (1 of 4 stars; one submission).

Conditions:
Inborn genetic diseases. Identifiers: MedGen C0950123, MeSH D030342.

Submission:

Ambry Genetics
Classification: Uncertain significance for Inborn genetic diseases. Last evaluated: 2025-07-14. Review status: criteria provided, single submitter. Criteria: Ambry Variant Classification Scheme 2023. Collection method: clinical testing. Allele origin: germline.
Comment: The c.1139T>G (p.L380R) alteration is located in exon 9 (coding exon 9) of the AGO1 gene. This alteration results from a T to G substitution at nucleotide position 1139, causing the leucine (L) at amino acid position 380 to be replaced by an arginine (R). This variant was not reported in population-based cohorts in the Genome Aggregation Database (gnomAD). This amino acid position is highly conserved in available vertebrate species. This missense alteration is located in a region that has a low rate of benign missense variation (Lek, 2016; Firth, 2009). The in silico prediction for this alteration is inconclusive. Based on insufficient or conflicting evidence, the clinical significance of this alteration remains unclear.

NM_012199.5(AGO1):c.1139T>G (p.Leu380Arg)

Gene: AGO1 (argonaute RISC component 1; plus strand). Cytogenetic location: 1p34.3.
Variant type: single nucleotide variant.
Coding change: c.1139T>G on transcript NM_012199.5 (MANE Select); coding-DNA position 1139, T replaced by G.
Protein change: p.Leu380Arg; replaces leucine 380 with arginine.
Molecular consequence: missense variant.
Genome position (GRCh38, 1-based): chr1:35,901,592, T>G. VCF-style: chr1-35901592-T-G. GRCh37 (hg19) VCF-style: chr1-36367193-T-G.
Other names: c.1139T>G, p.Leu380Arg (NM_001317122.2); c.914T>G, p.Leu305Arg (NM_001317123.2); short protein forms L380R, L305R.
Identifiers: ClinVar variation 4024509 (VCV004024509.2).
Genomic context (GRCh38, chr1:35,901,592, plus strand): 5'-CGACCATGATAAAGGCCACAGCTAGATCCGCTCCAGACAGACAGGAGGAGATCAGTCGCC[T>G]GGTCAGTGGGCCTACTCATTTGCTCAGTCATTGGGGCCATTGGTAGCATAAATGTTTTAA-3'
Protein context (NP_036331.1, residues 370-390): APDRQEEISR[Leu380Arg]MKNASYNLDP